The following is an entry in ClinVar:

NM_032122.5(DTNBP1):c.811+59A>G

Gene: DTNBP1 (dystrobrevin binding protein 1; minus strand). Cytogenetic location: 6p22.3.
Variant type: single nucleotide variant.
Coding change: c.811+59A>G on transcript NM_032122.5 (MANE Select); 59 bases into the intron after coding-DNA position 811, A replaced by G.
Molecular consequence: intron variant. On other transcripts: synonymous variant (1), non-coding transcript variant (1).
Genome position (GRCh38, 1-based): chr6:15,524,467, T>C on the plus strand (A>G on the coding strand, the complement: DTNBP1 is on the minus strand). VCF-style: chr6-15524467-T-C. GRCh37 (hg19) VCF-style: chr6-15524698-T-C.
Other names: c.870A>G, p.Pro290= (NM_183040.2); c.706+59A>G (NM_001271669.2); c.760+59A>G (NM_001271668.2); c.568+59A>G (NM_001271667.2).
Identifiers: ClinVar variation 178772 (VCV000178772.6), dbSNP rs16876573, ClinGen allele CA183004.

ClinVar aggregate classification (germline): Benign/Likely benign. Review status: criteria provided, multiple submitters, no conflicts (2 of 4 stars). 3 submissions from 3 submitters: Benign (2); Likely benign (1). Last evaluated 2024-11-26.

Allele frequency attached by ClinVar (database versions not stated): gnomAD 0.03085 and 0.03207; TOPMed 0.03190; 1000 Genomes Project 30x 0.03201; 1000 Genomes Project 0.03235; ESP Exome Variant Server 0.03506; gnomAD exomes 0.03558 and 0.04146; ExAC 0.03568.
gnomAD v4.1: 65,283 of 1,613,570 alleles (4%); highest among the groups gnomAD compares: South Asian, 7.1%; 1,618 homozygotes.

Submissions (3):

Blueprint Genetics
Classification: Likely benign. Last evaluated: 2024-11-26. Review status: criteria provided, single submitter. Criteria: ACMG Guidelines, 2015. Collection method: clinical testing. Allele origin: germline.

GeneDx
Classification: Benign. Last evaluated: 2018-07-14. Review status: criteria provided, single submitter. Criteria: GeneDx Variant Classification Process June 2021. Collection method: clinical testing. Allele origin: germline. Affected: yes.

Laboratory for Molecular Medicine, Mass General Brigham Personalized Medicine
Classification: Benign. Last evaluated: 2013-02-21. Review status: criteria provided, single submitter. Criteria: LMM Criteria. Collection method: clinical testing. Allele origin: germline. Observed: 5 variant alleles.
Comment: Pro290Pro in exon 9A of DTNBP1: This variant is not expected to have clinical si gnificance because it does not alter an amino acid residue and is not located wi thin the splice consensus sequence. It has been identified in 4.3% (373/8600) of European American chromosomes from a broad population by the NHLBI Exome Sequen cing Project (dbSNP rs16876573).